The following is an entry in ClinVar:

NM_001378609.3(OTOGL):c.6283A>G (p.Ile2095Val)

Gene: OTOGL (otogelin like; plus strand). Cytogenetic location: 12q21.31.
Variant type: single nucleotide variant.
Coding change: c.6283A>G on transcript NM_001378609.3 (MANE Select); coding-DNA position 6283, A replaced by G.
Protein change: p.Ile2095Val; replaces isoleucine 2095 with valine.
Molecular consequence: missense variant.
Genome position (GRCh38, 1-based): chr12:80,366,589, A>G. VCF-style: chr12-80366589-A-G. GRCh37 (hg19) VCF-style: chr12-80760369-A-G.
Other names: c.6148A>G, p.Ile2050Val (NM_001368062.3); c.6283A>G, p.Ile2095Val (NM_001378610.3, NM_173591.7); short protein forms I2086V, I2050V, I2095V.
Identifiers: ClinVar variation 226967 (VCV000226967.21), dbSNP rs149249642, ClinGen allele CA6701997.

ClinVar aggregate classification (germline): Benign/Likely benign. Review status: criteria provided, multiple submitters, no conflicts (2 of 4 stars). 6 submissions from 6 submitters: Benign (1); Likely benign (4). 1 of the submissions does not count toward it. Last evaluated 2026-01-27.

Conditions:
OTOGL-related disorder. Also called: OTOGL-related condition.

Allele frequency attached by ClinVar (database versions not stated): gnomAD exomes 0.00057 and 0.00091; ESP Exome Variant Server 0.00116; ExAC 0.00128; gnomAD 0.00172 and 0.00177; TOPMed 0.00212; 1000 Genomes Project 0.00280; 1000 Genomes Project 30x 0.00297.
gnomAD v4.1: 1,051 of 1,404,176 alleles (0.075%); highest among the groups gnomAD compares: Middle Eastern, 0.69%; 5 homozygotes.

Submissions (6):

Labcorp Genetics (formerly Invitae), Labcorp
Classification: Likely benign. Last evaluated: 2026-01-27. Review status: criteria provided, single submitter. Criteria: Invitae Variant Classification Sherloc (09022015). Collection method: clinical testing. Allele origin: germline.

Blueprint Genetics
Classification: Likely benign. Last evaluated: 2024-11-13. Review status: criteria provided, single submitter. Criteria: ACMG Guidelines, 2015. Collection method: clinical testing. Allele origin: germline.

GeneDx
Classification: Likely benign. Last evaluated: 2021-01-12. Review status: criteria provided, single submitter. Criteria: GeneDx Variant Classification Process June 2021. Collection method: clinical testing. Allele origin: germline. Affected: yes.

Laboratory for Molecular Medicine, Mass General Brigham Personalized Medicine
Classification: Benign. Last evaluated: 2014-11-24. Review status: criteria provided, single submitter. Criteria: LMM Criteria. Collection method: clinical testing. Allele origin: germline. Observed: 6 variant alleles.
Comment: Ile2086Val in exon 52 of OTOGL: This variant is not expected to have clinical si gnificance because it has been identified in 4.6% (9/194) of Luhya (Kenyan) chro mosomes from a broad population by the 1000 Genomes Project (.; dbSNP rs149249642).

Breakthrough Genomics
Classification: Likely benign. Review status: criteria provided, single submitter. Criteria: ACMG Guidelines, 2015. Collection method: not provided. Allele origin: germline. Inheritance: Autosomal recessive inheritance. Affected: yes.

PreventionGenetics, part of Exact Sciences
Classification: Likely benign for OTOGL-related condition. Last evaluated: 2023-07-17. Review status: no assertion criteria provided. Collection method: clinical testing. Allele origin: germline. Not counted in ClinVar's aggregate classification.
Comment: This variant is classified as likely benign based on ACMG/AMP sequence variant interpretation guidelines (Richards et al. 2015 PMID: 25741868, with internal and published modifications).